The following is an entry in ClinVar:

NM_006947.4(SRP72):c.484G>C (p.Glu162Gln)

Gene: SRP72 (signal recognition particle 72; plus strand). Cytogenetic location: 4q12.
Variant type: single nucleotide variant.
Coding change: c.484G>C on transcript NM_006947.4 (MANE Select); coding-DNA position 484, G replaced by C.
Protein change: p.Glu162Gln; replaces glutamic acid 162 with glutamine.
Molecular consequence: missense variant. On other transcripts: non-coding transcript variant (1).
Genome position (GRCh38, 1-based): chr4:56,474,183, G>C. VCF-style: chr4-56474183-G-C. GRCh37 (hg19) VCF-style: chr4-57340349-G-C.
Other names: c.484G>C (NM_006947.3); c.484G>C, p.Glu162Gln (NM_001267722.2); short protein forms E162Q.
Identifiers: ClinVar variation 2706690 (VCV002706690.4), dbSNP rs1479814051, ClinGen allele CA356996589.
Genomic context (GRCh38, chr4:56,474,183, plus strand): 5'-GATTATGATGAGGAGAGGAAAACAAACCTTTCAGCAGTTGTTGCAGCTCAAAGCAATTGG[G>C]AAAAAGTGGTTCCAGTGAGTATCCTTGTGGTGTACCCATACAGTCATGAATTATTATTCA-3'
Protein context (NP_008878.3, residues 152-172): SAVVAAQSNW[Glu162Gln]KVVPENLGLQ

ClinVar aggregate classification (germline): Uncertain significance. Review status: criteria provided, multiple submitters, no conflicts (2 of 4 stars). 2 submissions from 2 submitters: Uncertain significance (2). Last evaluated 2026-04-26.

Submissions (2):

Ambry Genetics
Classification: Uncertain significance. Last evaluated: 2026-04-26. Review status: criteria provided, single submitter. Criteria: Ambry Variant Classification Scheme 2023. Collection method: clinical testing. Allele origin: germline.
Comment: The p.E162Q variant (also known as c.484G>C), located in coding exon 4 of the SRP72 gene, results from a G to C substitution at nucleotide position 484. The glutamic acid at codon 162 is replaced by glutamine, an amino acid with highly similar properties. This amino acid position is conserved. In addition, this alteration is predicted to be tolerated by in silico analysis. Based on the available evidence, the clinical significance of this variant remains unclear.

Labcorp Genetics (formerly Invitae), Labcorp
Classification: Uncertain significance. Last evaluated: 2024-01-07. Review status: criteria provided, single submitter. Criteria: Invitae Variant Classification Sherloc (09022015). Collection method: clinical testing. Allele origin: germline.
Comment: This sequence change replaces glutamic acid, which is acidic and polar, with glutamine, which is neutral and polar, at codon 162 of the SRP72 protein (p.Glu162Gln). This variant is not present in population databases (gnomAD no frequency). This variant has not been reported in the literature in individuals affected with SRP72-related conditions. Advanced modeling of protein sequence and biophysical properties (such as structural, functional, and spatial information, amino acid conservation, physicochemical variation, residue mobility, and thermodynamic stability) performed at Invitae indicates that this missense variant is not expected to disrupt SRP72 protein function with a negative predictive value of 80%. In summary, the available evidence is currently insufficient to determine the role of this variant in disease. Therefore, it has been classified as a Variant of Uncertain Significance.